The following is an entry in ClinVar:

NM_007294.4(BRCA1):c.-6A>G

Gene: BRCA1 (BRCA1 DNA repair associated; minus strand). Cytogenetic location: 17q21.31.
Variant type: single nucleotide variant.
Coding change: c.-6A>G on transcript NM_007294.4 (MANE Select); 6 bases upstream of the start codon, A replaced by G.
Molecular consequence: 5 prime UTR variant. On other transcripts: non-coding transcript variant (1).
Genome position (GRCh38, 1-based): chr17:43,124,102, T>C on the plus strand (A>G on the coding strand, the complement: BRCA1 is on the minus strand). VCF-style: chr17-43124102-T-C. GRCh37 (hg19) VCF-style: chr17-41276119-T-C.
Other names: c.-6A>G (NM_001407583.1, NM_001407585.1, NM_001407587.1 and 193 more transcripts); c.-263A>G (NM_001407694.1, NM_001407724.1, NM_001407727.1 and 11 more transcripts); c.-267A>G (NM_001407695.1, NM_001408465.1); c.-408A>G (NM_001407696.1); c.-292A>G (NM_001407697.1, NM_001407846.1, NM_001407920.1); c.-93A>G (NM_001407698.1, NM_001407732.1, NM_001407736.1 and 23 more transcripts); c.-266A>G (NM_001407725.1, NM_001407730.1, NM_001407734.1 and 22 more transcripts); c.-212A>G (NM_001407726.1, NM_001407751.1); and 8 more.
Identifiers: ClinVar variation 868669 (VCV000868669.3), dbSNP rs2055748702, ClinGen allele CA916081145.

Conditions:
Breast-ovarian cancer, familial, susceptibility to, 1 (BROVCA1). Also called: BRCA1 Hereditary Breast and Ovarian Cancer; OVARIAN CANCER, SUSCEPTIBILITY TO. Identifiers: Orphanet 145, MedGen C2676676, MONDO:0011450, OMIM 604370. Disease mechanism: loss of function.

Submission:

Brotman Baty Institute, University of Washington
No classification provided (evidence only). Condition: Breast-ovarian cancer, familial 1. Review status: no classification provided. Collection method: in vitro. Allele origin: not applicable. Functional consequence: functionally_normal.
ClinVar note: "not provided" was previously submitted as the classification for the variant. However, the classification appeared to be based only on an observation of functional data so it was converted to no classification on 2025-07-30.